The following is an entry in ClinVar:

NM_133642.5(LARGE1):c.366C>A (p.Asn122Lys)

Gene: LARGE1 (LARGE xylosyl- and glucuronyltransferase 1; minus strand). Cytogenetic location: 22q12.3.
Variant type: single nucleotide variant.
Coding change: c.366C>A on transcript NM_133642.5 (MANE Select); coding-DNA position 366, C replaced by A.
Protein change: p.Asn122Lys; replaces asparagine 122 with lysine.
Molecular consequence: missense variant.
Genome position (GRCh38, 1-based): chr22:33,650,409, G>T on the plus strand (C>A on the coding strand, the complement: LARGE1 is on the minus strand). VCF-style: chr22-33650409-G-T. GRCh37 (hg19) VCF-style: chr22-34046395-G-T.
Other names: c.366C>A, p.Asn122Lys (NM_001362949.2, NM_001362951.2, NM_001362953.2 and 7 more transcripts); short protein forms N122K.
Identifiers: ClinVar variation 1019985 (VCV001019985.9), dbSNP rs2080759268, ClinGen allele CA411546087.

ClinVar aggregate classification (germline): Uncertain significance (1 of 4 stars; one submission).

Conditions:
Muscular dystrophy-dystroglycanopathy type B6 (MDDGB6). Also called: MUSCULAR DYSTROPHY, CONGENITAL, LARGE-RELATED; MUSCULAR DYSTROPHY, CONGENITAL, TYPE 1D; MUSCULAR DYSTROPHY-DYSTROGLYCANOPATHY (CONGENITAL WITH IMPAIRED INTELLECTUAL DEVELOPMENT), TYPE B, 6. Identifiers: MedGen C1837229, MONDO:0012138, OMIM 608840.

Submission:

Labcorp Genetics (formerly Invitae), Labcorp
Classification: Uncertain significance for Muscular dystrophy-dystroglycanopathy type B6. Last evaluated: 2025-04-07. Review status: criteria provided, single submitter. Criteria: Invitae Variant Classification Sherloc (09022015). Collection method: clinical testing. Allele origin: germline.
Comment: This sequence change replaces asparagine, which is neutral and polar, with lysine, which is basic and polar, at codon 122 of the LARGE1 protein (p.Asn122Lys). This variant is not present in population databases (gnomAD no frequency). This variant has not been reported in the literature in individuals affected with LARGE1-related conditions. ClinVar contains an entry for this variant (Variation ID: 1019985). Invitae Evidence Modeling of protein sequence and biophysical properties (such as structural, functional, and spatial information, amino acid conservation, physicochemical variation, residue mobility, and thermodynamic stability) indicates that this missense variant is not expected to disrupt LARGE1 protein function with a negative predictive value of 80%. In summary, the available evidence is currently insufficient to determine the role of this variant in disease. Therefore, it has been classified as a Variant of Uncertain Significance.